The following is an entry in ClinVar:

NM_015443.4(KANSL1):c.1420C>G (p.Arg474Gly)

Gene: KANSL1 (KAT8 regulatory NSL complex subunit 1). Cytogenetic location: 17q21.31.
Variant type: single nucleotide variant.
Coding change: c.1420C>G on transcript NM_015443.4 (MANE Select); coding-DNA position 1420, C replaced by G.
Protein change: p.Arg474Gly; replaces arginine 474 with glycine.
Molecular consequence: missense variant.
Genome position (GRCh38, 1-based): chr17:46,094,571, G>C on the plus strand (C>G on the coding strand, the complement: KANSL1 is on the minus strand). VCF-style: chr17-46094571-G-C. GRCh37 (hg19) VCF-style: chr17-44171937-G-C.
Other names: c.1420C>G, p.Arg474Gly (NM_001193465.2, NM_001193466.2, NM_001379198.1 and 18 more transcripts); c.154C>G, p.Arg52Gly (NM_001405885.1, NM_001405882.1, NM_001405883.1 and 1 more transcripts); short protein forms R474G, R52G.
Identifiers: ClinVar variation 1708873 (VCV001708873.3), dbSNP rs1018963624, ClinGen allele CA291149054.

ClinVar aggregate classification (germline): Uncertain significance. Review status: criteria provided, single submitter (1 of 4 stars). 2 submissions from 2 submitters: Uncertain significance (1). 1 of the submissions does not count toward it. Last evaluated 2022-04-08.

Conditions:
Koolen-de Vries syndrome (KDVS). Identifiers: Orphanet 96169, MedGen C1864871, MONDO:0012496, OMIM 610443.

Allele frequency attached by ClinVar (database versions not stated): gnomAD exomes below 0.00001.
gnomAD v4.1: 6 of 1,612,918 alleles (0.00037%); highest among the groups gnomAD compares: African/African-American, 0.0013%; no homozygotes.

Submissions (2):

GeneDx
Classification: Uncertain significance. Last evaluated: 2022-04-08. Review status: criteria provided, single submitter. Criteria: GeneDx Variant Classification Process June 2021. Collection method: clinical testing. Allele origin: germline. Affected: yes.
Comment: Not observed at significant frequency in large population cohorts (gnomAD); In silico analysis supports that this missense variant has a deleterious effect on protein structure/function; Has not been previously published as pathogenic or benign to our knowledge

Clinical Genetics Laboratory, University Hospital Schleswig-Holstein
Classification: Likely pathogenic for Koolen-de Vries syndrome. Last evaluated: 2022-11-15. Review status: no assertion criteria provided. Collection method: clinical testing. Allele origin: germline. Affected: yes. Not counted in ClinVar's aggregate classification.